The following is an entry in ClinVar:

ClinVar aggregate classification (germline): Uncertain significance (1 of 4 stars; one submission).

gnomAD v4.1: 9 of 1,613,810 alleles (0.00056%); highest among the groups gnomAD compares: Admixed American, 0.0017%; no homozygotes.

Submission:

Labcorp Genetics (formerly Invitae), Labcorp
Classification: Uncertain significance. Last evaluated: 2025-03-25. Review status: criteria provided, single submitter. Criteria: Invitae Variant Classification Sherloc (09022015). Collection method: clinical testing. Allele origin: germline.
Comment: This sequence change replaces proline, which is neutral and non-polar, with leucine, which is neutral and non-polar, at codon 392 of the COL9A1 protein (p.Pro392Leu). This variant is present in population databases (rs749309304, gnomAD 0.002%). This variant has not been reported in the literature in individuals affected with COL9A1-related conditions. Invitae Evidence Modeling of protein sequence and biophysical properties (such as structural, functional, and spatial information, amino acid conservation, physicochemical variation, residue mobility, and thermodynamic stability) indicates that this missense variant is not expected to disrupt COL9A1 protein function with a negative predictive value of 95%. In summary, the available evidence is currently insufficient to determine the role of this variant in disease. Therefore, it has been classified as a Variant of Uncertain Significance.

NM_001851.6(COL9A1):c.1175C>T (p.Pro392Leu)

Genes: COL9A1 (collagen type IX alpha 1 chain; minus strand), LOC129996692 (ATAC-STARR-seq lymphoblastoid active region 24730; plus strand). Cytogenetic location: 6q13.
Variant type: single nucleotide variant.
Coding change: c.1175C>T on transcript NM_001851.6 (MANE Select); coding-DNA position 1175, C replaced by T.
Protein change: p.Pro392Leu; replaces proline 392 with leucine.
Molecular consequence: missense variant. On other transcripts: non-coding transcript variant (1).
Genome position (GRCh38, 1-based): chr6:70,270,336, G>A on the plus strand (C>T on the coding strand, the complement: COL9A1 is on the minus strand). VCF-style: chr6-70270336-G-A. GRCh37 (hg19) VCF-style: chr6-70980039-G-A.
Other names: c.446C>T, p.Pro149Leu (NM_001377289.1, NM_001377290.1, NM_078485.4); short protein forms P149L, P392L.
Identifiers: ClinVar variation 4696223 (VCV004696223.1).